The following is an entry in ClinVar:

NM_001098816.3(TENM4):c.6044G>C (p.Gly2015Ala)

Gene: TENM4 (teneurin transmembrane protein 4; minus strand). Cytogenetic location: 11q14.1.
Variant type: single nucleotide variant.
Coding change: c.6044G>C on transcript NM_001098816.3 (MANE Select); coding-DNA position 6044, G replaced by C.
Protein change: p.Gly2015Ala; replaces glycine 2015 with alanine.
Molecular consequence: missense variant.
Genome position (GRCh38, 1-based): chr11:78,670,301, C>G on the plus strand (G>C on the coding strand, the complement: TENM4 is on the minus strand). VCF-style: chr11-78670301-C-G. GRCh37 (hg19) VCF-style: chr11-78381346-C-G.
Other names: p.Gly2015Ala; short protein forms G2015A.
Identifiers: ClinVar variation 3380045 (VCV003380045.1).

ClinVar aggregate classification (germline): Uncertain significance (1 of 4 stars; one submission).

Submission:

Mayo Clinic Laboratories, Mayo Clinic
Classification: Uncertain significance. Last evaluated: 2023-06-19. Review status: criteria provided, single submitter. Criteria: ACMG Guidelines, 2015. Collection method: clinical testing. Allele origin: germline. Observed: 1 variant allele.
Comment: BP5, PM2_moderate